The following is an entry in ClinVar:

NM_012434.5(SLC17A5):c.94+1G>A

Genes: SLC17A5 (solute carrier family 17 member 5; minus strand), LOC129996727 (ATAC-STARR-seq lymphoblastoid silent region 17338; plus strand). Cytogenetic location: 6q13.
Variant type: single nucleotide variant.
Coding change: c.94+1G>A on transcript NM_012434.5 (MANE Select); the canonical splice donor site of the intron after coding-DNA position 94, G replaced by A.
Molecular consequence: splice donor variant.
Genome position (GRCh38, 1-based): chr6:73,653,792, C>T on the plus strand (G>A on the coding strand, the complement: SLC17A5 is on the minus strand). VCF-style: chr6-73653792-C-T. GRCh37 (hg19) VCF-style: chr6-74363515-C-T.
Other names: c.60+1G>A (NM_001382636.1, NM_001382629.1); c.94+1G>A (NM_001382632.1, NM_001382635.1, NM_001382634.1 and 3 more transcripts).
Identifiers: ClinVar variation 3022415 (VCV003022415.3), dbSNP rs2533549900, ClinGen allele CA364720119.

ClinVar aggregate classification (germline): Likely pathogenic (1 of 4 stars; one submission).

Conditions:
Salla disease (SD). Also called: Sialuria, Finnish type; N-acetylneuraminic acid (NANA) storage disease (NSD); Infantile sialic acid storage disorder (ISSD); Less Severe FSASD (Salla Disease). Identifiers: Orphanet 309334, Orphanet 834, MedGen C1096903, MONDO:0011449, OMIM 604369.

Submission:

Labcorp Genetics (formerly Invitae), Labcorp
Classification: Likely pathogenic for Salla disease. Last evaluated: 2023-05-11. Review status: criteria provided, single submitter. Criteria: Invitae Variant Classification Sherloc (09022015). Collection method: clinical testing. Allele origin: germline.
Comment: In summary, the currently available evidence indicates that the variant is pathogenic, but additional data are needed to prove that conclusively. Therefore, this variant has been classified as Likely Pathogenic. Algorithms developed to predict the effect of sequence changes on RNA splicing suggest that this variant may disrupt the consensus splice site. This variant has not been reported in the literature in individuals affected with SLC17A5-related conditions. This variant is not present in population databases (gnomAD no frequency). This sequence change affects a donor splice site in intron 1 of the SLC17A5 gene. It is expected to disrupt RNA splicing. Variants that disrupt the donor or acceptor splice site typically lead to a loss of protein function (PMID: 16199547), and loss-of-function variants in SLC17A5 are known to be pathogenic (PMID: 10581036, 10947946, 15172001).

Literature cited by the submitters: PubMed 16199547; PubMed 10581036; PubMed 10947946; PubMed 15172001.